The following is an entry in ClinVar:

ClinVar aggregate classification (germline): Conflicting classifications of pathogenicity. Review status: criteria provided, conflicting classifications (1 of 4 stars). 2 submissions from 2 submitters: Uncertain significance (1); Likely benign (1). Last evaluated 2025-09-24.

Allele frequency attached by ClinVar (database versions not stated): gnomAD exomes below 0.00001; gnomAD 0.00001.
gnomAD v4.1: 2 of 1,610,834 alleles (0.00012%); highest among the groups gnomAD compares: Admixed American, 0.0017%; no homozygotes.

Submissions (2):

Dasa
Classification: Uncertain significance. Last evaluated: 2025-09-24. Review status: criteria provided, single submitter. Criteria: DASA Assertion Criteria. Collection method: clinical testing. Allele origin: germline.
Comment: NM_001791.4(CDC42):c.486+7A>T is a splice-region variant. This variant is rare in population databases. Computational prediction algorithms are consistent with a benign effect. The currently available literature and clinical evidence are not sufficient to establish a definitive association between this variant and the reported condition. Therefore, this variant is classified as a variant of uncertain significance.

Labcorp Genetics (formerly Invitae), Labcorp
Classification: Likely benign. Last evaluated: 2025-06-09. Review status: criteria provided, single submitter. Criteria: Invitae Variant Classification Sherloc (09022015). Collection method: clinical testing. Allele origin: germline.

NM_001791.4(CDC42):c.486+7A>T

Gene: CDC42 (cell division cycle 42; plus strand). Cytogenetic location: 1p36.12.
Variant type: single nucleotide variant.
Coding change: c.486+7A>T on transcript NM_001791.4 (MANE Select); 7 bases into the intron after coding-DNA position 486, A replaced by T.
Molecular consequence: intron variant.
Genome position (GRCh38, 1-based): chr1:22,086,873, A>T. VCF-style: chr1-22086873-A-T. GRCh37 (hg19) VCF-style: chr1-22413366-A-T.
Other names: c.486+7A>T (NM_001039802.2, NM_044472.3).
Identifiers: ClinVar variation 2868389 (VCV002868389.5), dbSNP rs1157835883, ClinGen allele CA521901564.